The following is an entry in ClinVar:

NM_020225.3(STOX2):c.2325C>T (p.Asn775=)

Gene: STOX2 (storkhead box 2; plus strand). Cytogenetic location: 4q35.1.
Variant type: single nucleotide variant.
Coding change: c.2325C>T on transcript NM_020225.3 (MANE Select); coding-DNA position 2325, C replaced by T.
Protein change: p.Asn775=; no amino-acid change (asparagine 775 retained).
Molecular consequence: synonymous variant.
Genome position (GRCh38, 1-based): chr4:184,011,163, C>T. VCF-style: chr4-184011163-C-T. GRCh37 (hg19) VCF-style: chr4-184932316-C-T.
Identifiers: ClinVar variation 2655206 (VCV002655206.24), dbSNP rs147556350, ClinGen allele CA3152986.

ClinVar aggregate classification (germline): Likely benign (1 of 4 stars; one submission).

Allele frequency attached by ClinVar (database versions not stated): ESP Exome Variant Server 0.00242; ExAC 0.00342; 1000 Genomes Project 0.00140; 1000 Genomes Project 30x 0.00141; TOPMed 0.00230; gnomAD 0.00231.
gnomAD v4.1: 4,431 of 1,582,012 alleles (0.28%); highest among the groups gnomAD compares: South Asian, 0.35%; 10 homozygotes.

Submission:

CeGaT Center for Human Genetics Tuebingen
Classification: Likely benign. Last evaluated: 2022-11-01. Review status: criteria provided, single submitter. Criteria: CeGaT Center For Human Genetics Tuebingen Variant Classification Criteria Version 2. Collection method: clinical testing. Allele origin: germline. Affected: yes. Observed: 1 variant allele.
Comment: STOX2: BP4, BP7, BS2